The following is an entry in ClinVar:

NM_004260.4(RECQL4):c.1300G>A (p.Val434Ile)

Gene: RECQL4 (RecQ like helicase 4; minus strand). Cytogenetic location: 8q24.3.
Variant type: single nucleotide variant.
Coding change: c.1300G>A on transcript NM_004260.4 (MANE Select); coding-DNA position 1300, G replaced by A.
Protein change: p.Val434Ile; replaces valine 434 with isoleucine.
Molecular consequence: missense variant.
Genome position (GRCh38, 1-based): chr8:144,515,416, C>T on the plus strand (G>A on the coding strand, the complement: RECQL4 is on the minus strand). VCF-style: chr8-144515416-C-T. GRCh37 (hg19) VCF-style: chr8-145740800-C-T.
Other names: c.1300G>A (NM_004260.3); short protein forms V434I.
Identifiers: ClinVar variation 1443594 (VCV001443594.7), dbSNP rs761938967, ClinGen allele CA4948919.

ClinVar aggregate classification (germline): Uncertain significance. Review status: criteria provided, multiple submitters, no conflicts (2 of 4 stars). 2 submissions from 2 submitters: Uncertain significance (2). Last evaluated 2025-05-18.

Conditions:
Inborn genetic diseases. Identifiers: MedGen C0950123, MeSH D030342.
Baller-Gerold syndrome (BGS). Also called: CRANIOSYNOSTOSIS WITH RADIAL DEFECTS. Identifiers: Orphanet 1225, MedGen C0265308, MONDO:0009039, OMIM 218600.

Allele frequency attached by ClinVar (database versions not stated): gnomAD exomes below 0.00001; ExAC 0.00001.
gnomAD v4.1: 1 of 1,612,800 alleles (0.000062%); highest among the groups gnomAD compares: Admixed American, 0.0017%; no homozygotes.

Submissions (2):

Ambry Genetics
Classification: Uncertain significance for Inborn genetic diseases. Last evaluated: 2025-05-18. Review status: criteria provided, single submitter. Criteria: Ambry Variant Classification Scheme 2023. Collection method: clinical testing. Allele origin: germline.
Comment: The p.V434I variant (also known as c.1300G>A), located in coding exon 7 of the RECQL4 gene, results from a G to A substitution at nucleotide position 1300. The valine at codon 434 is replaced by isoleucine, an amino acid with highly similar properties. This amino acid position is conserved. In addition, this alteration is predicted to be tolerated by in silico analysis. Based on the available evidence, the clinical significance of this variant remains unclear.

Labcorp Genetics (formerly Invitae), Labcorp
Classification: Uncertain significance for Baller-Gerold syndrome. Last evaluated: 2024-05-06. Review status: criteria provided, single submitter. Criteria: Invitae Variant Classification Sherloc (09022015). Collection method: clinical testing. Allele origin: germline.
Comment: This sequence change replaces valine, which is neutral and non-polar, with isoleucine, which is neutral and non-polar, at codon 434 of the RECQL4 protein (p.Val434Ile). The frequency data for this variant in the population databases is considered unreliable, as metrics indicate poor data quality at this position in the gnomAD database. This variant has not been reported in the literature in individuals affected with RECQL4-related conditions. ClinVar contains an entry for this variant (Variation ID: 1443594). Advanced modeling of protein sequence and biophysical properties (such as structural, functional, and spatial information, amino acid conservation, physicochemical variation, residue mobility, and thermodynamic stability) performed at Invitae indicates that this missense variant is not expected to disrupt RECQL4 protein function with a negative predictive value of 80%. In summary, the available evidence is currently insufficient to determine the role of this variant in disease. Therefore, it has been classified as a Variant of Uncertain Significance.